The following is an entry in ClinVar:

ClinVar aggregate classification (germline): Uncertain significance. Review status: criteria provided, multiple submitters, no conflicts (2 of 4 stars). 2 submissions from 2 submitters: Uncertain significance (2). Last evaluated 2025-09-10.

Conditions:
Benign neonatal seizures. Also called: Benign familial neonatal seizures; Benign neonatal familial convulsions; Benign familial neonatal epilepsy; Convulsions benign familial neonatal dominant form; Autosomal dominant form of benign neonatal seizures. Identifiers: Orphanet 1949, MedGen C0220669, MONDO:0016027.

Submissions (2):

Labcorp Genetics (formerly Invitae), Labcorp
Classification: Uncertain significance for Benign neonatal seizures. Last evaluated: 2025-09-10. Review status: criteria provided, single submitter. Criteria: Invitae Variant Classification Sherloc (09022015). Collection method: clinical testing. Allele origin: germline.
Comment: This sequence change replaces leucine, which is neutral and non-polar, with phenylalanine, which is neutral and non-polar, at codon 261 of the KCNQ3 protein (p.Leu261Phe). This variant is not present in population databases (gnomAD no frequency). This variant has not been reported in the literature in individuals affected with KCNQ3-related conditions. ClinVar contains an entry for this variant (Variation ID: 1303275). Invitae Evidence Modeling of protein sequence and biophysical properties (such as structural, functional, and spatial information, amino acid conservation, physicochemical variation, residue mobility, and thermodynamic stability) indicates that this missense variant is expected to disrupt KCNQ3 protein function with a positive predictive value of 80%. In summary, the available evidence is currently insufficient to determine the role of this variant in disease. Therefore, it has been classified as a Variant of Uncertain Significance.

GeneDx
Classification: Uncertain significance. Last evaluated: 2019-06-11. Review status: criteria provided, single submitter. Criteria: GeneDx Variant Classification Process June 2021. Collection method: clinical testing. Allele origin: germline. Affected: yes.
Comment: Not observed in large population cohorts (Lek et al., 2016); In silico analysis, which includes protein predictors and evolutionary conservation, supports a deleterious effect; Has not been previously published as pathogenic or benign to our knowledge

NM_004519.4(KCNQ3):c.781C>T (p.Leu261Phe)

Gene: KCNQ3 (potassium voltage-gated channel subfamily Q member 3; minus strand). Cytogenetic location: 8q24.22.
Variant type: single nucleotide variant.
Coding change: c.781C>T on transcript NM_004519.4 (MANE Select); coding-DNA position 781, C replaced by T.
Protein change: p.Leu261Phe; replaces leucine 261 with phenylalanine.
Molecular consequence: missense variant.
Genome position (GRCh38, 1-based): chr8:132,175,605, G>A on the plus strand (C>T on the coding strand, the complement: KCNQ3 is on the minus strand). VCF-style: chr8-132175605-G-A. GRCh37 (hg19) VCF-style: chr8-133187852-G-A.
Other names: c.421C>T, p.Leu141Phe (NM_001204824.2); short protein forms L141F, L261F.
Identifiers: ClinVar variation 1303275 (VCV001303275.7), dbSNP rs2130134314, ClinGen allele CA372290624.